The following is an entry in ClinVar:

ClinVar aggregate classification (germline): Uncertain significance. Review status: criteria provided, multiple submitters, no conflicts (2 of 4 stars). 2 submissions from 2 submitters: Uncertain significance (2). Last evaluated 2025-08-09.

Conditions:
Hereditary nonpolyposis colorectal neoplasms. Identifiers: MedGen C0009405, MeSH D003123.

Submissions (2):

Labcorp Genetics (formerly Invitae), Labcorp
Classification: Uncertain significance for Hereditary nonpolyposis colorectal neoplasms. Last evaluated: 2025-08-09. Review status: criteria provided, single submitter. Criteria: Invitae Variant Classification Sherloc (09022015). Collection method: clinical testing. Allele origin: germline.
Comment: This sequence change replaces phenylalanine, which is neutral and non-polar, with leucine, which is neutral and non-polar, at codon 104 of the PMS2 protein (p.Phe104Leu). This variant is not present in population databases (gnomAD no frequency). This variant has not been reported in the literature in individuals affected with PMS2-related conditions. ClinVar contains an entry for this variant (Variation ID: 455709). Invitae Evidence Modeling of protein sequence and biophysical properties (such as structural, functional, and spatial information, amino acid conservation, physicochemical variation, residue mobility, and thermodynamic stability) has been performed for this missense variant. However, the output from this modeling did not meet the statistical confidence thresholds required to predict the impact of this variant on PMS2 protein function. In summary, the available evidence is currently insufficient to determine the role of this variant in disease. Therefore, it has been classified as a Variant of Uncertain Significance.

GeneDx
Classification: Uncertain significance. Last evaluated: 2019-07-18. Review status: criteria provided, single submitter. Criteria: GeneDx Variant Classification Process June 2021. Collection method: clinical testing. Allele origin: germline. Affected: yes.
Comment: Not observed in large population cohorts (Lek et al., 2016); In silico analysis, which includes protein predictors and evolutionary conservation, supports a deleterious effect; Has not been previously published as pathogenic or benign to our knowledge

NM_000535.7(PMS2):c.310T>C (p.Phe104Leu)

Gene: PMS2 (PMS1 homolog 2, mismatch repair system component; minus strand). Cytogenetic location: 7p22.1.
Variant type: single nucleotide variant.
Coding change: c.310T>C on transcript NM_000535.7 (MANE Select); coding-DNA position 310, T replaced by C.
Protein change: p.Phe104Leu; replaces phenylalanine 104 with leucine.
Molecular consequence: missense variant. On other transcripts: 5 prime UTR variant (9), non-coding transcript variant (1), intron variant (2).
Genome position (GRCh38, 1-based): chr7:6,003,733, A>G on the plus strand (T>C on the coding strand, the complement: PMS2 is on the minus strand). VCF-style: chr7-6003733-A-G. GRCh37 (hg19) VCF-style: chr7-6043364-A-G.
Other names: c.-96T>C (NM_001322003.2, NM_001322004.2, NM_001322005.2 and 3 more transcripts); c.310T>C, p.Phe104Leu (NM_001322006.2, NM_001322014.2); c.-575T>C (NM_001322011.2, NM_001322012.2); c.-175T>C (NM_001322015.2); c.35+239T>C (NM_001322008.2, NM_001322007.2); short protein forms F104L.
Identifiers: ClinVar variation 455709 (VCV000455709.13), dbSNP rs1554304677, ClinGen allele CA366744607.